The following is an entry in ClinVar:

ClinVar aggregate classification (germline): Uncertain significance. Review status: criteria provided, multiple submitters, no conflicts (2 of 4 stars). 3 submissions from 3 submitters: Uncertain significance (3). Last evaluated 2024-10-10.

Conditions:
Aortic aneurysm, familial thoracic 7 (AAT7). Also called: AORTIC DISSECTION, FAMILIAL, WITH OR WITHOUT AORTIC ANEURYSM. Identifiers: MedGen C3151077, MONDO:0013418, OMIM 613780.
Megacystis-microcolon-intestinal hypoperistalsis syndrome 1. Identifiers: MedGen C5542316, MONDO:0100354, OMIM 249210.

Allele frequency attached by ClinVar (database versions not stated): gnomAD exomes below 0.00001; ESP Exome Variant Server 0.00008.
gnomAD v4.1: 2 of 1,614,192 alleles (0.00012%); highest among the groups gnomAD compares: Non-Finnish European, 0.00017%; no homozygotes.

Submissions (3):

Labcorp Genetics (formerly Invitae), Labcorp
Classification: Uncertain significance for Aortic aneurysm, familial thoracic 7. Last evaluated: 2024-10-10. Review status: criteria provided, single submitter. Criteria: Invitae Variant Classification Sherloc (09022015). Collection method: clinical testing. Allele origin: germline.
Comment: This sequence change replaces serine, which is neutral and polar, with cysteine, which is neutral and slightly polar, at codon 342 of the MYLK protein (p.Ser342Cys). This variant is not present in population databases (gnomAD no frequency). This variant has not been reported in the literature in individuals affected with MYLK-related conditions. ClinVar contains an entry for this variant (Variation ID: 1675933). Invitae Evidence Modeling of protein sequence and biophysical properties (such as structural, functional, and spatial information, amino acid conservation, physicochemical variation, residue mobility, and thermodynamic stability) indicates that this missense variant is not expected to disrupt MYLK protein function with a negative predictive value of 95%. In summary, the available evidence is currently insufficient to determine the role of this variant in disease. Therefore, it has been classified as a Variant of Uncertain Significance.

CeGaT Center for Human Genetics Tuebingen
Classification: Uncertain significance. Last evaluated: 2022-03-01. Review status: criteria provided, single submitter. Criteria: CeGaT Center For Human Genetics Tuebingen Variant Classification Criteria Version 2. Collection method: clinical testing. Allele origin: germline. Affected: yes. Observed: 1 variant allele.
Comment: MYLK: PM2, BP4

Fulgent Genetics
Classification: Uncertain significance for Megacystis-microcolon-intestinal hypoperistalsis syndrome 1; Aortic aneurysm, familial thoracic 7. Last evaluated: 2021-09-07. Review status: criteria provided, single submitter. Criteria: ACMG Guidelines, 2015. Collection method: clinical testing. Allele origin: unknown.

NM_053025.4(MYLK):c.1025C>G (p.Ser342Cys)

Gene: MYLK (myosin light chain kinase; minus strand). Cytogenetic location: 3q21.1.
Variant type: single nucleotide variant.
Coding change: c.1025C>G on transcript NM_053025.4 (MANE Select); coding-DNA position 1025, C replaced by G.
Protein change: p.Ser342Cys; replaces serine 342 with cysteine.
Molecular consequence: missense variant.
Genome position (GRCh38, 1-based): chr3:123,733,971, G>C on the plus strand (C>G on the coding strand, the complement: MYLK is on the minus strand). VCF-style: chr3-123733971-G-C. GRCh37 (hg19) VCF-style: chr3-123452818-G-C.
Other names: c.497C>G, p.Ser166Cys (NM_001321309.2); c.1025C>G, p.Ser342Cys (NM_053026.4, NM_053027.4, NM_053028.4); short protein forms S166C, S342C.
Identifiers: ClinVar variation 1675933 (VCV001675933.36), dbSNP rs140100605, ClinGen allele CA82943027.